The following is an entry in ClinVar:

ClinVar aggregate classification (germline): Uncertain significance (1 of 4 stars; one submission).

Submission:

Labcorp Genetics (formerly Invitae), Labcorp
Classification: Uncertain significance. Last evaluated: 2025-11-13. Review status: criteria provided, single submitter. Criteria: Invitae Variant Classification Sherloc (09022015). Collection method: clinical testing. Allele origin: germline.
Comment: This sequence change replaces tyrosine, which is neutral and polar, with aspartic acid, which is acidic and polar, at codon 230 of the TBX4 protein (p.Tyr230Asp). This variant is not present in population databases (gnomAD no frequency). This variant has not been reported in the literature in individuals affected with TBX4-related conditions. ClinVar contains an entry for this variant (Variation ID: 3634749). Invitae Evidence Modeling of protein sequence and biophysical properties (such as structural, functional, and spatial information, amino acid conservation, physicochemical variation, residue mobility, and thermodynamic stability) indicates that this missense variant is expected to disrupt TBX4 protein function with a positive predictive value of 95%. In summary, the available evidence is currently insufficient to determine the role of this variant in disease. Therefore, it has been classified as a Variant of Uncertain Significance.

NM_001321120.2(TBX4):c.688T>G (p.Tyr230Asp)

Gene: TBX4 (T-box transcription factor 4; plus strand). Cytogenetic location: 17q23.2.
Variant type: single nucleotide variant.
Coding change: c.688T>G on transcript NM_001321120.2 (MANE Select); coding-DNA position 688, T replaced by G.
Protein change: p.Tyr230Asp; replaces tyrosine 230 with aspartic acid.
Molecular consequence: missense variant.
Genome position (GRCh38, 1-based): chr17:61,478,765, T>G. VCF-style: chr17-61478765-T-G. GRCh37 (hg19) VCF-style: chr17-59556126-T-G.
Other names: c.688T>G, p.Tyr230Asp (NM_018488.3); short protein forms Y230D.
Identifiers: ClinVar variation 3634749 (VCV003634749.2).